The following is an entry in ClinVar:

NM_001370298.3(FGD4):c.2164T>C (p.Cys722Arg)

Gene: FGD4 (FYVE, RhoGEF and PH domain containing 4; plus strand). Cytogenetic location: 12p11.21.
Variant type: single nucleotide variant.
Coding change: c.2164T>C on transcript NM_001370298.3 (MANE Select); coding-DNA position 2164, T replaced by C.
Protein change: p.Cys722Arg; replaces cysteine 722 with arginine.
Molecular consequence: missense variant.
Genome position (GRCh38, 1-based): chr12:32,625,771, T>C. VCF-style: chr12-32625771-T-C. GRCh37 (hg19) VCF-style: chr12-32778705-T-C.
Other names: c.2008T>C, p.Cys670Arg (NM_001304481.2); c.1009T>C, p.Cys337Arg (NM_001304483.2); c.721T>C, p.Cys241Arg (NM_001304484.2); c.1474T>C, p.Cys492Arg (NM_001330373.2, NM_001330374.2, NM_001384130.1); c.1201T>C, p.Cys401Arg (NM_001370297.1); c.2164T>C, p.Cys722Arg (NM_001384126.1); c.1753T>C, p.Cys585Arg (NM_001384127.1, NM_001384128.1, NM_001385118.1 and 1 more transcripts); short protein forms C241R, C337R, C401R, C492R, C585R, C670R, C722R.
Identifiers: ClinVar variation 1001915 (VCV001001915.9), dbSNP rs1432249262, ClinGen allele CA384368094.

ClinVar aggregate classification (germline): Uncertain significance (1 of 4 stars; one submission).

Conditions:
Charcot-Marie-Tooth disease type 4. Also called: Charcot-Marie-Tooth, Type 4; Charcot-Marie-Tooth disease, type IV. Identifiers: Orphanet 64749, MedGen C4082197, MONDO:0018995.

Allele frequency attached by ClinVar (database versions not stated): gnomAD exomes below 0.00001; TOPMed 0.00001.

Submission:

Labcorp Genetics (formerly Invitae), Labcorp
Classification: Uncertain significance for Charcot-Marie-Tooth disease type 4. Last evaluated: 2020-02-05. Review status: criteria provided, single submitter. Criteria: Invitae Variant Classification Sherloc (09022015). Collection method: clinical testing. Allele origin: germline.
Comment: This sequence change replaces cysteine with arginine at codon 585 of the FGD4 protein (p.Cys585Arg). The cysteine residue is highly conserved and there is a large physicochemical difference between cysteine and arginine. This variant is not present in population databases (ExAC no frequency). In summary, the available evidence is currently insufficient to determine the role of this variant in disease. Therefore, it has been classified as a Variant of Uncertain Significance. This variant has not been reported in the literature in individuals with FGD4-related conditions. Algorithms developed to predict the effect of missense changes on protein structure and function are either unavailable or do not agree on the potential impact of this missense change (SIFT: "Deleterious"; PolyPhen-2: "Probably Damaging"; Align-GVGD: "Class C0").